The following is an entry in ClinVar:

NM_005138.3(SCO2):c.446G>A (p.Arg149Gln)

Genes: NCAPH2 (non-SMC condensin II complex subunit H2; plus strand), SCO2 (synthesis of cytochrome C oxidase 2; minus strand). Cytogenetic location: 22q13.33.
Variant type: single nucleotide variant.
Coding change: c.446G>A on transcript NM_005138.3 (MANE Select); coding-DNA position 446, G replaced by A.
Protein change: p.Arg149Gln; replaces arginine 149 with glutamine.
Molecular consequence: missense variant. On other transcripts: 3 prime UTR variant (2).
Genome position (GRCh38, 1-based): chr22:50,523,966, C>T on the plus strand (G>A on the coding strand, the complement: SCO2 is on the minus strand). VCF-style: chr22-50523966-C-T. GRCh37 (hg19) VCF-style: chr22-50962395-C-T.
Other names: c.*591C>T (NM_001185011.2, NM_152299.4); c.446G>A, p.Arg149Gln (NM_001169109.2, NM_001169110.1, NM_001169111.2); c.446G>A (NM_005138.2); short protein forms R149Q.
Identifiers: ClinVar variation 1520040 (VCV001520040.5), dbSNP rs537717976, ClinGen allele CA10321204.
Genomic context (GRCh38, chr22:50,523,966, plus strand): 5'-GGGTCCACAGTGATGAAGACAGGCTGCACTGGAGGCAAACCAGGCTCTGCTTCCAGCTGC[C>T]GCACCACCTGCACCAGCTTCTCCAGCTCGTCTGGGCAGATGTCAGGGCAGTGAGTGAAGC-3'
Protein context (NP_005129.2, residues 139-159): DELEKLVQVV[Arg149Gln]QLEAEPGLPP

ClinVar aggregate classification (germline): Conflicting classifications of pathogenicity. Review status: criteria provided, conflicting classifications (1 of 4 stars). 3 submissions from 3 submitters: Uncertain significance (2); Likely benign (1). Last evaluated 2024-07-22.

Conditions:
Inborn genetic diseases. Identifiers: MedGen C0950123, MeSH D030342.

Allele frequency attached by ClinVar (database versions not stated): gnomAD 0.00004 and 0.00005; TOPMed 0.00004; gnomAD exomes 0.00005; ExAC 0.00006; 1000 Genomes Project 30x 0.00016; 1000 Genomes Project 0.00020.

Submissions (3):

Ambry Genetics
Classification: Likely benign for Inborn genetic diseases. Last evaluated: 2024-07-22. Review status: criteria provided, single submitter. Criteria: Ambry Variant Classification Scheme 2023. Collection method: clinical testing. Allele origin: germline.

Labcorp Genetics (formerly Invitae), Labcorp
Classification: Uncertain significance. Last evaluated: 2022-05-27. Review status: criteria provided, single submitter. Criteria: Invitae Variant Classification Sherloc (09022015). Collection method: clinical testing. Allele origin: germline.
Comment: This sequence change replaces arginine, which is basic and polar, with glutamine, which is neutral and polar, at codon 149 of the SCO2 protein (p.Arg149Gln). This variant is present in population databases (rs537717976, gnomAD 0.02%). This variant has not been reported in the literature in individuals affected with SCO2-related conditions. ClinVar contains an entry for this variant (Variation ID: 1520040). Algorithms developed to predict the effect of missense changes on protein structure and function output the following: SIFT: "Tolerated"; PolyPhen-2: "Benign"; Align-GVGD: "Class C0". The glutamine amino acid residue is found in multiple mammalian species, which suggests that this missense change does not adversely affect protein function. In summary, the available evidence is currently insufficient to determine the role of this variant in disease. Therefore, it has been classified as a Variant of Uncertain Significance.

Blueprint Genetics
Classification: Uncertain significance. Last evaluated: 2017-06-26. Review status: criteria provided, single submitter. Criteria: ACMG Guidelines, 2015. Collection method: clinical testing. Allele origin: germline.